The following is an entry in ClinVar:

ClinVar aggregate classification (germline): Uncertain significance (1 of 4 stars; one submission).

Conditions:
Dilated cardiomyopathy 1KK (CMD1KK). Identifiers: Orphanet 154, Orphanet 75249, MedGen C3714995, MONDO:0014100, OMIM 615248.

Submission:

Labcorp Genetics (formerly Invitae), Labcorp
Classification: Uncertain significance for Dilated cardiomyopathy 1KK. Last evaluated: 2022-08-10. Review status: criteria provided, single submitter. Criteria: Invitae Variant Classification Sherloc (09022015). Collection method: clinical testing. Allele origin: germline.
Comment: This sequence change replaces glutamine, which is neutral and polar, with proline, which is neutral and non-polar, at codon 299 of the MYPN protein (p.Gln299Pro). This variant is not present in population databases (gnomAD no frequency). This variant has not been reported in the literature in individuals affected with MYPN-related conditions. Algorithms developed to predict the effect of missense changes on protein structure and function are either unavailable or do not agree on the potential impact of this missense change (SIFT: "Tolerated"; PolyPhen-2: "Possibly Damaging"; Align-GVGD: "Class C0"). Algorithms developed to predict the effect of sequence changes on RNA splicing suggest that this variant may disrupt the consensus splice site. In summary, the available evidence is currently insufficient to determine the role of this variant in disease. Therefore, it has been classified as a Variant of Uncertain Significance.

NM_032578.4(MYPN):c.896A>C (p.Gln299Pro)

Gene: MYPN (myopalladin; plus strand). Cytogenetic location: 10q21.3.
Variant type: single nucleotide variant.
Coding change: c.896A>C on transcript NM_032578.4 (MANE Select); coding-DNA position 896, A replaced by C.
Protein change: p.Gln299Pro; replaces glutamine 299 with proline.
Molecular consequence: missense variant. On other transcripts: 5 prime UTR variant (1), non-coding transcript variant (1).
Genome position (GRCh38, 1-based): chr10:68,122,334, A>C. VCF-style: chr10-68122334-A-C. GRCh37 (hg19) VCF-style: chr10-69882091-A-C.
Other names: c.896A>C, p.Gln299Pro (NM_001256267.2); c.-227A>C (NM_001256268.2); short protein forms Q299P.
Identifiers: ClinVar variation 1716029 (VCV001716029.5), dbSNP rs2495468248, ClinGen allele CA377105327.
Genomic context (GRCh38, chr10:68,122,334, plus strand): 5'-AAGTTCCAGAAGGAACTCGAGTACAGTTGGATTGCATAGTGGTAGGAATTCCACCACCTC[A>C]AGTAAGGTAAAAATGTCCCATTGGTAATGCTGAGTAATGTTGCTTTCCATCTACCATGAC-3'
Protein context (NP_115967.2, residues 289-309): DCIVVGIPPP[Gln299Pro]VRWYCEGKEL